The following is an entry in ClinVar:

ClinVar aggregate classification (germline): Uncertain significance (1 of 4 stars; one submission).

Allele frequency attached by ClinVar (database versions not stated): gnomAD exomes 0.00001; TOPMed 0.00001; ExAC 0.00002.
gnomAD v4.1: 7 of 1,612,566 alleles (0.00043%); highest among the groups gnomAD compares: East Asian, 0.016%; no homozygotes.

Submission:

Labcorp Genetics (formerly Invitae), Labcorp
Classification: Uncertain significance. Last evaluated: 2023-04-07. Review status: criteria provided, single submitter. Criteria: Invitae Variant Classification Sherloc (09022015). Collection method: clinical testing. Allele origin: germline.
Comment: Algorithms developed to predict the effect of missense changes on protein structure and function output the following: SIFT: "Not Available"; PolyPhen-2: "Benign"; Align-GVGD: "Not Available". The serine amino acid residue is found in multiple mammalian species, which suggests that this missense change does not adversely affect protein function. In summary, the available evidence is currently insufficient to determine the role of this variant in disease. Therefore, it has been classified as a Variant of Uncertain Significance. This variant has not been reported in the literature in individuals affected with HMCN1-related conditions. This variant is present in population databases (rs766403122, gnomAD 0.03%). This sequence change replaces proline, which is neutral and non-polar, with serine, which is neutral and polar, at codon 2677 of the HMCN1 protein (p.Pro2677Ser).

NM_031935.3(HMCN1):c.8029C>T (p.Pro2677Ser)

Gene: HMCN1 (hemicentin 1; plus strand). Cytogenetic location: 1q31.1.
Variant type: single nucleotide variant.
Coding change: c.8029C>T on transcript NM_031935.3 (MANE Select); coding-DNA position 8029, C replaced by T.
Protein change: p.Pro2677Ser; replaces proline 2677 with serine.
Molecular consequence: missense variant.
Genome position (GRCh38, 1-based): chr1:186,070,647, C>T. VCF-style: chr1-186070647-C-T. GRCh37 (hg19) VCF-style: chr1-186039779-C-T.
Other names: short protein forms P2677S.
Identifiers: ClinVar variation 2789808 (VCV002789808.3), dbSNP rs766403122, ClinGen allele CA1293010.